The following is an entry in ClinVar:

NM_020134.4(DPYSL5):c.231G>A (p.Thr77=)

Gene: DPYSL5 (dihydropyrimidinase like 5; plus strand). Cytogenetic location: 2p23.3.
Variant type: single nucleotide variant.
Coding change: c.231G>A on transcript NM_020134.4 (MANE Select); coding-DNA position 231, G replaced by A.
Protein change: p.Thr77=; no amino-acid change (threonine 77 retained).
Molecular consequence: synonymous variant.
Genome position (GRCh38, 1-based): chr2:26,898,730, G>A. VCF-style: chr2-26898730-G-A. GRCh37 (hg19) VCF-style: chr2-27121598-G-A.
Other names: c.231G>A, p.Thr77= (NM_001253723.2, NM_001253724.2).
Identifiers: ClinVar variation 2672803 (VCV002672803.23), dbSNP rs146557773, ClinGen allele CA1566074.

ClinVar aggregate classification (germline): Likely benign (1 of 4 stars; one submission).

Allele frequency attached by ClinVar (database versions not stated): ExAC 0.00003; gnomAD 0.00005; ESP Exome Variant Server 0.00008.
gnomAD v4.1: 25 of 1,612,144 alleles (0.0016%); highest among the groups gnomAD compares: Admixed American, 0.005%; no homozygotes.

Submission:

CeGaT Center for Human Genetics Tuebingen
Classification: Likely benign. Last evaluated: 2026-08-01. Review status: criteria provided, single submitter. Criteria: CeGaT Center For Human Genetics Tuebingen Variant Classification Criteria Version 2. Collection method: clinical testing. Allele origin: germline. Affected: yes. Observed: 2 variant alleles.
Comment: DPYSL5: BP4, BP7